The following is an entry in ClinVar:

ClinVar aggregate classification (germline): Pathogenic (1 of 4 stars; one submission).

Conditions:
RYR1-related disorder. Also called: RYR1-related condition; RYR1-related disorders. Identifiers: MedGen CN239331.

Allele frequency attached by ClinVar (database versions not stated): TOPMed below 0.00001.

Submission:

Labcorp Genetics (formerly Invitae), Labcorp
Classification: Pathogenic for RYR1-related disorder. Last evaluated: 2023-05-05. Review status: criteria provided, single submitter. Criteria: Invitae Variant Classification Sherloc (09022015). Collection method: clinical testing. Allele origin: germline.
Comment: For these reasons, this variant has been classified as Pathogenic. This variant has not been reported in the literature in individuals affected with RYR1-related conditions. The frequency data for this variant in the population databases is considered unreliable, as metrics indicate insufficient coverage at this position in the gnomAD database. This sequence change creates a premature translational stop signal (p.Arg4306*) in the RYR1 gene. It is expected to result in an absent or disrupted protein product. Loss-of-function variants in RYR1 are known to be pathogenic (PMID: 23919265, 25960145, 28818389, 30611313).

Literature cited by the submitters: PubMed 23919265; PubMed 25960145; PubMed 28818389; PubMed 30611313.

NM_000540.3(RYR1):c.12916C>T (p.Arg4306Ter)

Gene: RYR1 (ryanodine receptor 1; plus strand). Cytogenetic location: 19q13.2.
Variant type: single nucleotide variant.
Coding change: c.12916C>T on transcript NM_000540.3 (MANE Select); coding-DNA position 12916, C replaced by T.
Protein change: p.Arg4306Ter; replaces arginine 4306 with a stop codon.
Molecular consequence: nonsense.
Genome position (GRCh38, 1-based): chr19:38,565,250, C>T. VCF-style: chr19-38565250-C-T. GRCh37 (hg19) VCF-style: chr19-39055890-C-T.
Other names: c.12901C>T, p.Arg4301Ter (NM_001042723.2); short protein forms R4306*, R4301*.
Identifiers: ClinVar variation 2971266 (VCV002971266.3), dbSNP rs1329745881, ClinGen allele CA405672565.
Genomic context (GRCh38, chr19:38,565,250, plus strand): 5'-GCGGCCACGGCGGCGGCGGGGGCGACGGCGCGGGTTGTGGCGGCCGCAGGCCGGGCCCTG[C>T]GAGGCCTCAGCTACCGCAGCCTGCGGCGGCGCGTGCGGCGGCTGCGGCGGCTTACGGCCC-3'